The following is an entry in ClinVar:

ClinVar aggregate classification (germline): Likely pathogenic. Review status: criteria provided, single submitter (1 of 4 stars). 2 submissions from 2 submitters: Likely pathogenic (1). 1 of the submissions does not count toward it. Last evaluated 2026-06-10.

Conditions:
Thyroid hormone resistance, generalized, autosomal dominant (GRTHD). Also called: HYPERTHYROXINEMIA, FAMILIAL EUTHYROID, SECONDARY TO PITUITARY AND PERIPHERAL RESISTANCE TO THYROID HORMONES. Identifiers: MedGen C2937288, MONDO:0008569, OMIM 188570.

Submissions (2):

Women's Health and Genetics/Laboratory Corporation of America, LabCorp
Classification: Likely pathogenic for Thyroid hormone resistance, generalized, autosomal dominant. Last evaluated: 2026-06-10. Review status: criteria provided, single submitter. Criteria: LabCorp Variant Classification Summary - May 2015. Collection method: clinical testing. Allele origin: germline.
Comment: Variant summary: THRB c.1033G>T (p.Gly345Cys) results in a non-conservative amino acid change in the encoded protein sequence. Algorithms developed to predict the effect of missense changes on protein structure and function all suggest that this variant is likely to be disruptive. The variant was absent in 251448 control chromosomes. c.1033G>T has been observed in individual(s) affected with clinical and/or biochemical features of Thyroid Hormone Resistance, Generalized, Autosomal Dominant (Fujisawa_2019, Hatano_2024). These data indicate that the variant may be associated with disease. A different variant affecting the same codon has been classified as likely pathogenic/pathogenic by our lab (c.1033G>A, p.Gly345Ser), supporting the critical relevance of codon 345 to THRB protein function. To our knowledge, no experimental evidence demonstrating an impact on protein function has been reported. The following publications have been ascertained in the context of this evaluation (PMID: 31432759, 38572382, 37592301). ClinVar contains an entry for this variant (Variation ID: 492919). Based on the evidence outlined above, the variant was classified as likely pathogenic.

Clinical Molecular Genetics Laboratory, Johns Hopkins All Children's Hospital
Classification: Likely pathogenic for Thyroid hormone resistance, generalized, autosomal dominant. Last evaluated: 2015-06-22. Review status: no assertion criteria provided. Collection method: clinical testing. Allele origin: germline. Affected: yes. Not counted in ClinVar's aggregate classification.

Literature cited by the submitters: PubMed 31432759 (cited by Women's Health and Genetics/Laboratory Corporation of America, LabCorp); PubMed 38572382 (cited by Women's Health and Genetics/Laboratory Corporation of America, LabCorp); PubMed 37592301 (cited by Women's Health and Genetics/Laboratory Corporation of America, LabCorp).

NM_001354712.2(THRB):c.1033G>T (p.Gly345Cys)

Gene: THRB (thyroid hormone receptor beta; minus strand). Cytogenetic location: 3p24.2.
Variant type: single nucleotide variant.
Coding change: c.1033G>T on transcript NM_001354712.2 (MANE Select); coding-DNA position 1033, G replaced by T.
Protein change: p.Gly345Cys; replaces glycine 345 with cysteine.
Molecular consequence: missense variant.
Genome position (GRCh38, 1-based): chr3:24,127,610, C>A on the plus strand (G>T on the coding strand, the complement: THRB is on the minus strand). VCF-style: chr3-24127610-C-A. GRCh37 (hg19) VCF-style: chr3-24169101-C-A.
Other names: c.1033G>T, p.Gly345Cys (NM_000461.5, NM_001128176.3, NM_001128177.2 and 6 more transcripts); c.940G>T, p.Gly314Cys (NM_001354714.2, NM_001354715.2); short protein forms G345C, G314C.
Identifiers: ClinVar variation 492919 (VCV000492919.2), dbSNP rs121918686, ClinGen allele CA351888714.
Genomic context (GRCh38, chr3:24,127,610, plus strand): 5'-GGTTGAAAGAAGACAGAGACATGCCCAGGTCAAAGATGGCGTCTGACACCACCCCAAGAC[C>A]CCCATTTTTCAGCTGGCCCCGTGTCACTGCCATTTCCCCATTCAAGGTTAAAGTCTCACT-3'
Protein context (NP_001341641.1, residues 335-355): AVTRGQLKNG[Gly345Cys]LGVVSDAIFD